The following is an entry in ClinVar:

NM_000368.5(TSC1):c.2292_2293insT (p.Gln765fs)

Gene: TSC1 (TSC complex subunit 1; minus strand). Cytogenetic location: 9q34.13.
Variant type: Insertion.
Coding change: c.2292_2293insT on transcript NM_000368.5 (MANE Select); coding-DNA positions 2292 to 2293, T inserted.
Protein change: p.Gln765fs; shifts the reading frame from glutamine 765.
Molecular consequence: frameshift variant.
Genome position: GRCh38 VCF-style: chr9-132902703-G-GA. GRCh37 (hg19) VCF-style: chr9-135778090-G-GA.
Other names: c.2289_2290insT, p.Gln764fs (NM_001162426.2); c.2139_2140insT, p.Gln714fs (NM_001162427.2); c.1929_1930insT, p.Gln644fs (NM_001362177.2); short protein forms Q714fs, Q765fs, Q644fs, Q764fs.
Identifiers: ClinVar variation 420479 (VCV000420479.2), dbSNP rs1064794504, ClinGen allele CA16618766.
Genomic context (GRCh38, chr9:132,902,703, plus strand): 5'-CATGCTGCAGCTGTCTGATCTGGCTGTGGAGCTTGGTTACCATAGTGTCACGCTGCTCCT[G>GA]GAGCTGATTGTATCTAGCTTGTTCTTTCTGCAGACTAACCTTCCACATCTGGATGTCCTT-3'

ClinVar aggregate classification (germline): Pathogenic (1 of 4 stars; one submission).

Submission:

GeneDx
Classification: Pathogenic. Last evaluated: 2016-02-12. Review status: criteria provided, single submitter. Criteria: GeneDx Variant Classification (06012015). Collection method: clinical testing. Allele origin: germline. Affected: yes.
Comment: The c.2292_2293insT pathogenic variant in the TSC1 gene causes a frameshift starting with codon Glutamine 765, changes this amino acid to a Serine residue and creates a premature Stop codon at position 5 of the new reading frame, denoted p.Q765SfsX5. This pathogenic variant is predicted to cause loss of normal protein function either through protein truncation or nonsense-mediated mRNA decay. It was not observed in approximately 6,500 individuals of European and African American ancestry in the NHLBI Exome Sequencing Project, indicating it is not a common benign variant in these populations.